The following is an entry in ClinVar:

NM_001110556.2(FLNA):c.2014C>T (p.Pro672Ser)

Gene: FLNA (filamin A; minus strand). Cytogenetic location: Xq28.
Variant type: single nucleotide variant.
Coding change: c.2014C>T on transcript NM_001110556.2 (MANE Select); coding-DNA position 2014, C replaced by T.
Protein change: p.Pro672Ser; replaces proline 672 with serine.
Molecular consequence: missense variant.
Genome position (GRCh38, 1-based): chrX:154,364,534, G>A on the plus strand (C>T on the coding strand, the complement: FLNA is on the minus strand). VCF-style: chrX-154364534-G-A. GRCh37 (hg19) VCF-style: chrX-153592902-G-A.
Other names: c.2014C>T, p.Pro672Ser (NM_001456.4); short protein forms P672S.
Identifiers: ClinVar variation 3360227 (VCV003360227.1).

ClinVar aggregate classification (germline): Uncertain significance (1 of 4 stars; one submission).

Submission:

GeneDx
Classification: Uncertain significance. Last evaluated: 2023-06-28. Review status: criteria provided, single submitter. Criteria: GeneDx Variant Classification Process June 2021. Collection method: clinical testing. Allele origin: germline. Affected: yes.
Comment: Not observed at significant frequency in large population cohorts (gnomAD); In silico analysis supports that this missense variant has a deleterious effect on protein structure/function; Has not been previously published as pathogenic or benign to our knowledge